The following is an entry in ClinVar:

NM_014336.5(AIPL1):c.66C>T (p.Gly22=)

Gene: AIPL1 (AIP like 1 HSP90 co-chaperone; minus strand). Cytogenetic location: 17p13.2.
Variant type: single nucleotide variant.
Coding change: c.66C>T on transcript NM_014336.5 (MANE Select); coding-DNA position 66, C replaced by T.
Protein change: p.Gly22=; no amino-acid change (glycine 22 retained).
Molecular consequence: synonymous variant. On other transcripts: 5 prime UTR variant (1).
Genome position (GRCh38, 1-based): chr17:6,435,039, G>A on the plus strand (C>T on the coding strand, the complement: AIPL1 is on the minus strand). VCF-style: chr17-6435039-G-A. GRCh37 (hg19) VCF-style: chr17-6338359-G-A.
Other names: c.66C>T, p.Gly22= (NM_001033054.3, NM_001033055.3, NM_001285399.3 and 3 more transcripts); c.-110C>T (NM_001285402.2).
Identifiers: ClinVar variation 1493628 (VCV001493628.5), dbSNP rs1454085955, ClinGen allele CA497585494.

ClinVar aggregate classification (germline): Uncertain significance (1 of 4 stars; one submission).

Conditions:
Leber congenital amaurosis 4 (LCA4). Identifiers: MedGen C1858386, MONDO:0011458, OMIM 604393.

Allele frequency attached by ClinVar (database versions not stated): gnomAD exomes below 0.00001; TOPMed below 0.00001; gnomAD 0.00001.

Submission:

Labcorp Genetics (formerly Invitae), Labcorp
Classification: Uncertain significance for Leber congenital amaurosis 4. Last evaluated: 2021-08-13. Review status: criteria provided, single submitter. Criteria: Invitae Variant Classification Sherloc (09022015). Collection method: clinical testing. Allele origin: germline.
Comment: This sequence change affects codon 22 of the AIPL1 mRNA. It is a 'silent' change, meaning that it does not change the encoded amino acid sequence of the AIPL1 protein. This variant is not present in population databases (ExAC no frequency). This variant has not been reported in the literature in individuals affected with AIPL1-related conditions. Algorithms developed to predict the effect of sequence changes on RNA splicing suggest that this variant may create or strengthen a splice site. In summary, the available evidence is currently insufficient to determine the role of this variant in disease. Therefore, it has been classified as a Variant of Uncertain Significance.